The following is an entry in ClinVar:

ClinVar aggregate classification (germline): Likely pathogenic (1 of 4 stars; one submission).

Conditions:
Inborn genetic diseases. Identifiers: MedGen C0950123, MeSH D030342.

Submission:

Ambry Genetics
Classification: Likely pathogenic for Inborn genetic diseases. Last evaluated: 2026-04-05. Review status: criteria provided, single submitter. Criteria: Ambry Variant Classification Scheme 2023. Collection method: clinical testing. Allele origin: germline.
Comment: The c.936-1G>C intronic variant results from a G to C substitution one nucleotide upstream from coding exon 10 of the DDX41 gene. This variant is considered to be rare based on population cohorts in the Genome Aggregation Database (gnomAD). This nucleotide position is highly conserved in available vertebrate species. In silico splice site analysis predicts that this alteration will weaken the native splice acceptor site and may result in the creation or strengthening of a novel splice acceptor site. Variants that disrupt the canonical splice site are expected to cause aberrant splicing, resulting in an abnormal protein or a transcript that is subject to nonsense-mediated mRNA decay. As such, this variant is classified as likely pathogenic.

NM_016222.4(DDX41):c.936-1G>C

Gene: DDX41 (DEAD-box helicase 41; minus strand). Cytogenetic location: 5q35.3.
Variant type: single nucleotide variant.
Coding change: c.936-1G>C on transcript NM_016222.4 (MANE Select); the canonical splice acceptor site of the intron before coding-DNA position 936, G replaced by C.
Molecular consequence: splice acceptor variant.
Genome position (GRCh38, 1-based): chr5:177,513,848, C>G on the plus strand (G>C on the coding strand, the complement: DDX41 is on the minus strand). VCF-style: chr5-177513848-C-G. GRCh37 (hg19) VCF-style: chr5-176940849-C-G.
Other names: c.558-1G>C (NM_001321830.2, NM_001321732.2).
Identifiers: ClinVar variation 4869627 (VCV004869627.1).
Genomic context (GRCh38, chr5:177,513,848, plus strand): 5'-ATCTTCTTCTGCAGCAAATCCATGAGGCGCCCCGGGGTGGCCACCATCATGTGTACACCG[C>G]TGGGGACCAAGGAGAGACCCTGAGGTTGGGGCCACTGGCCTATCACCTATCTAGAGGCAA-3'